The following is an entry in ClinVar:

NM_182943.3(PLOD2):c.2268A>G (p.Ile756Met)

Gene: PLOD2 (procollagen-lysine,2-oxoglutarate 5-dioxygenase 2; minus strand). Cytogenetic location: 3q24.
Variant type: single nucleotide variant.
Coding change: c.2268A>G on transcript NM_182943.3 (MANE Select); coding-DNA position 2268, A replaced by G.
Protein change: p.Ile756Met; replaces isoleucine 756 with methionine.
Molecular consequence: missense variant.
Genome position (GRCh38, 1-based): chr3:146,070,726, T>C on the plus strand (A>G on the coding strand, the complement: PLOD2 is on the minus strand). VCF-style: chr3-146070726-T-C. GRCh37 (hg19) VCF-style: chr3-145788513-T-C.
Other names: c.2205A>G, p.Ile735Met (NM_000935.3); short protein forms I735M, I756M.
Identifiers: ClinVar variation 1945640 (VCV001945640.5), dbSNP rs561992291, ClinGen allele CA2654660.

ClinVar aggregate classification (germline): Uncertain significance (1 of 4 stars; one submission).

Allele frequency attached by ClinVar (database versions not stated): gnomAD 0.00001; gnomAD exomes 0.00001; ExAC 0.00003; 1000 Genomes Project 0.00020; 1000 Genomes Project 30x 0.00031.
gnomAD v4.1: 16 of 1,602,110 alleles (0.001%); highest among the groups gnomAD compares: South Asian, 0.017%; no homozygotes.

Submission:

Labcorp Genetics (formerly Invitae), Labcorp
Classification: Uncertain significance. Last evaluated: 2024-08-13. Review status: criteria provided, single submitter. Criteria: Invitae Variant Classification Sherloc (09022015). Collection method: clinical testing. Allele origin: germline.
Comment: This sequence change replaces isoleucine, which is neutral and non-polar, with methionine, which is neutral and non-polar, at codon 756 of the PLOD2 protein (p.Ile756Met). This variant is present in population databases (rs561992291, gnomAD 0.03%). This variant has not been reported in the literature in individuals affected with PLOD2-related conditions. ClinVar contains an entry for this variant (Variation ID: 1945640). Advanced modeling of protein sequence and biophysical properties (such as structural, functional, and spatial information, amino acid conservation, physicochemical variation, residue mobility, and thermodynamic stability) performed at Invitae indicates that this missense variant is not expected to disrupt PLOD2 protein function with a negative predictive value of 80%. In summary, the available evidence is currently insufficient to determine the role of this variant in disease. Therefore, it has been classified as a Variant of Uncertain Significance.